The following is an entry in ClinVar:

ClinVar aggregate classification (germline): Uncertain significance (1 of 4 stars; one submission).

Submission:

GeneDx
Classification: Uncertain significance. Last evaluated: 2023-12-01. Review status: criteria provided, single submitter. Criteria: GeneDx Variant Classification Process June 2021. Collection method: clinical testing. Allele origin: germline. Affected: yes.
Comment: Not observed at significant frequency in large population cohorts (gnomAD); In silico analysis supports that this missense variant does not alter protein structure/function; Has not been previously published as pathogenic or benign to our knowledge

NM_006662.3(SRCAP):c.6112A>G (p.Ile2038Val)

Gene: SRCAP (Snf2 related CREBBP activator protein; plus strand). Cytogenetic location: 16p11.2.
Variant type: single nucleotide variant.
Coding change: c.6112A>G on transcript NM_006662.3 (MANE Select); coding-DNA position 6112, A replaced by G.
Protein change: p.Ile2038Val; replaces isoleucine 2038 with valine.
Molecular consequence: missense variant.
Genome position (GRCh38, 1-based): chr16:30,729,557, A>G. VCF-style: chr16-30729557-A-G. GRCh37 (hg19) VCF-style: chr16-30740878-A-G.
Other names: short protein forms I2038V.
Identifiers: ClinVar variation 3365165 (VCV003365165.1).